The following is an entry in ClinVar:

ClinVar aggregate classification (germline): Pathogenic (1 of 4 stars; one submission).

Submission:

Labcorp Genetics (formerly Invitae), Labcorp
Classification: Pathogenic. Last evaluated: 2023-01-31. Review status: criteria provided, single submitter. Criteria: Invitae Variant Classification Sherloc (09022015). Collection method: clinical testing. Allele origin: germline.
Comment: This sequence change creates a premature translational stop signal (p.Asn333Lysfs*22) in the SLC19A2 gene. It is expected to result in an absent or disrupted protein product. Loss-of-function variants in SLC19A2 are known to be pathogenic (PMID: 10391221, 10391223, 10874303). This variant is not present in population databases (gnomAD no frequency). This variant has not been reported in the literature in individuals affected with SLC19A2-related conditions. For these reasons, this variant has been classified as Pathogenic.

Literature cited by the submitters: PubMed 10391221; PubMed 10391223; PubMed 10874303.

NM_006996.3(SLC19A2):c.999del (p.Asn333fs)

Gene: SLC19A2 (solute carrier family 19 member 2; minus strand). Cytogenetic location: 1q24.2.
Variant type: Deletion.
Coding change: c.999del on transcript NM_006996.3 (MANE Select); coding-DNA position 999, one base deleted (T; older notation c.999delT).
Protein change: p.Asn333fs; shifts the reading frame from asparagine 333.
Molecular consequence: frameshift variant.
Genome position (GRCh38, 1-based): chr1:169,469,995, A deleted on the plus strand (T on the coding strand, the reverse complement: SLC19A2 is on the minus strand). VCF-style (leftmost placement, unchanged base first): chr1-169469994-CA-C. GRCh37 (hg19) VCF-style: chr1-169439232-CA-C.
Other names: c.396del, p.Asn132fs (NM_001319667.1); short protein forms N132fs, N333fs.
Identifiers: ClinVar variation 2833242 (VCV002833242.3), dbSNP rs2526239717, ClinGen allele CA2739275408.